The following is an entry in ClinVar:

NM_000169.3(GLA):c.806T>C (p.Val269Ala)

Genes: GLA (galactosidase alpha; minus strand), RPL36A-HNRNPH2 (RPL36A-HNRNPH2 readthrough; plus strand). Cytogenetic location: Xq22.1.
Variant type: single nucleotide variant.
Coding change: c.806T>C on transcript NM_000169.3 (MANE Select); coding-DNA position 806, T replaced by C.
Protein change: p.Val269Ala; replaces valine 269 with alanine.
Molecular consequence: missense variant. On other transcripts: non-coding transcript variant (3), intron variant (2).
Genome position (GRCh38, 1-based): chrX:101,398,563, A>G on the plus strand (T>C on the coding strand, the complement: GLA is on the minus strand). VCF-style: chrX-101398563-A-G. GRCh37 (hg19) VCF-style: chrX-100653551-A-G.
Other names: c.929T>C, p.Val310Ala (NM_001406747.1); c.806T>C, p.Val269Ala (NM_001406748.1); c.300+3106A>G (NM_001199973.2); c.177+6741A>G (NM_001199974.2); short protein forms V269A, V310A.
Identifiers: ClinVar variation 10731 (VCV000010731.3), dbSNP rs28935488, ClinGen allele CA022087.

ClinVar aggregate classification (germline): Likely pathogenic. Review status: criteria provided, single submitter (1 of 4 stars). 2 submissions from 2 submitters: Likely pathogenic (1). 1 of the submissions does not count toward it. Last evaluated 2026-09-08.

Conditions:
Fabry disease. Also called: Ceramide trihexosidosis; Fabry's disease; CERAMIDE TRIHEXOSIDASE DEFICIENCY; GLA DEFICIENCY; HEREDITARY DYSTOPIC LIPIDOSIS; ALPHA-GALACTOSIDASE A DEFICIENCY. Identifiers: Orphanet 324, MedGen C0002986, MONDO:0010526, OMIM 301500, HP:0001071. Disease mechanism: Fabry disease is due to inactivating mutations in the X-linked GLA gene resulting in deficiency of the enzyme Alpha Galactosidase-A., loss of function.

Submissions (2):

Genomenon, Inc
Classification: Likely pathogenic for Fabry disease. Last evaluated: 2026-09-08. Review status: criteria provided, single submitter. Criteria: Genomenon Sequence Variant Interpretation Standards - Updated. Collection method: curation. Allele origin: germline. Affected: yes.
Comment: GLA p.Val269Ala (c.806T>C) is a missense variant that changes the amino acid at codon 269 from Valine to Alanine. This variant has been observed in at least one proband with clinical features consistent with Fabry disease (PMID:17160618;8395937;29853467;32442237;31996269;40495216). At least one functional study has demonstrated a substantial alteration in protein function relative to the wild-type (PMID:27657681). It is absent or not present at a significant frequency in gnomAD. In silico models predict that this variant is possibly or probably damaging. In conclusion, we classify GLA p.Val269Ala (c.806T>C) as a likely pathogenic variant.

OMIM
Classification: Pathogenic for FABRY DISEASE. Last evaluated: 1993-07-01. Review status: no assertion criteria provided. Collection method: literature only. Allele origin: germline. Not counted in ClinVar's aggregate classification.

Literature cited by the submitters: PubMed 17160618 (cited by Genomenon, Inc); PubMed 8395937 (cited by Genomenon, Inc and OMIM); PubMed 29853467 (cited by Genomenon, Inc); PubMed 32442237 (cited by Genomenon, Inc); PubMed 31996269 (cited by Genomenon, Inc); PubMed 40495216 (cited by Genomenon, Inc); PubMed 27657681 (cited by Genomenon, Inc).